The following is an entry in ClinVar:

ClinVar aggregate classification (germline): Uncertain significance (1 of 4 stars; one submission).

Conditions:
Chromosome 2q32-q33 deletion syndrome (GLASS). Also called: 2q33.1 deletion syndrome; Glass syndrome. Identifiers: Orphanet 251019, MedGen C2676739, MONDO:0012864, OMIM 612313.

Allele frequency attached by ClinVar (database versions not stated): gnomAD exomes below 0.00001; ExAC 0.00001; gnomAD 0.00001.
gnomAD v4.1: 3 of 1,613,932 alleles (0.00019%); highest among the groups gnomAD compares: African/African-American, 0.0013%; no homozygotes.

Submission:

Labcorp Genetics (formerly Invitae), Labcorp
Classification: Uncertain significance for Chromosome 2q32-q33 deletion syndrome. Last evaluated: 2023-09-01. Review status: criteria provided, single submitter. Criteria: Invitae Variant Classification Sherloc (09022015). Collection method: clinical testing. Allele origin: germline.
Comment: Advanced modeling of protein sequence and biophysical properties (such as structural, functional, and spatial information, amino acid conservation, physicochemical variation, residue mobility, and thermodynamic stability) performed at Invitae indicates that this missense variant is not expected to disrupt SATB2 protein function. This variant has not been reported in the literature in individuals affected with SATB2-related conditions. This variant is present in population databases (rs754582487, gnomAD 0.0009%). This sequence change replaces arginine, which is basic and polar, with glutamine, which is neutral and polar, at codon 283 of the SATB2 protein (p.Arg283Gln). In summary, the available evidence is currently insufficient to determine the role of this variant in disease. Therefore, it has been classified as a Variant of Uncertain Significance.

NM_001172509.2(SATB2):c.848G>A (p.Arg283Gln)

Gene: SATB2 (SATB homeobox 2; minus strand). Cytogenetic location: 2q33.1.
Variant type: single nucleotide variant.
Coding change: c.848G>A on transcript NM_001172509.2 (MANE Select); coding-DNA position 848, G replaced by A.
Protein change: p.Arg283Gln; replaces arginine 283 with glutamine.
Molecular consequence: missense variant.
Genome position (GRCh38, 1-based): chr2:199,349,026, C>T on the plus strand (G>A on the coding strand, the complement: SATB2 is on the minus strand). VCF-style: chr2-199349026-C-T. GRCh37 (hg19) VCF-style: chr2-200213749-C-T.
Other names: c.848G>A, p.Arg283Gln (NM_001172517.1, NM_015265.4); short protein forms R283Q.
Identifiers: ClinVar variation 2997176 (VCV002997176.3), dbSNP rs754582487, ClinGen allele CA2045997.
Genomic context (GRCh38, chr2:199,349,026, plus strand): 5'-CTAAGCTGGGGAGAAAGAAGACCAGGGCTCATGATGGGCTGTAATGCGGGCACTTGGTTT[C>T]GGATTGGAGTACTGTGGTGAATTTGGCTGTGAGGAGACTGTTCGTTGGTTTTCCCCAGGG-3'
Protein context (NP_001165980.1, residues 273-293): HSQIHHSTPI[Arg283Gln]NQVPALQPIM